The following is an entry in ClinVar:

ClinVar aggregate classification (germline): Conflicting classifications of pathogenicity. Review status: criteria provided, conflicting classifications (1 of 4 stars). 12 submissions from 12 submitters: Uncertain significance (6); Likely benign (5). 1 of the submissions does not count toward it. Last evaluated 2026-05-21.

Conditions:
MSH6-related disorder. Also called: MSH6-related condition; MSH6-Related disorders.
Hereditary nonpolyposis colorectal neoplasms. Identifiers: MedGen C0009405, MeSH D003123.
Hereditary cancer-predisposing syndrome. Also called: Neoplastic Syndromes, Hereditary; Tumor predisposition; Hereditary Cancer Syndrome; Hereditary neoplastic syndrome. Identifiers: Orphanet 140162, MedGen C0027672, MeSH D009386, MONDO:0015356.
Lynch syndrome. Identifiers: Orphanet 144, MedGen C4552100, MONDO:0005835. Disease mechanism: loss of function.
Lynch syndrome 5 (LYNCH5). Also called: Colorectal cancer, hereditary nonpolyposis, type 5; Hereditary non-polyposis colorectal cancer, type 5. Identifiers: Orphanet 144, MedGen C1833477, MONDO:0013710, OMIM 614350. Disease mechanism: loss of function.

Allele frequency attached by ClinVar (database versions not stated): TOPMed 0.00001; ExAC 0.00004.
gnomAD v4.1: 19 of 1,614,120 alleles (0.0012%); highest among the groups gnomAD compares: Admixed American, 0.032%; no homozygotes.

Submissions (12):

PreventionGenetics, part of Exact Sciences
Classification: Likely benign for MSH6-related condition. Last evaluated: 2026-05-21. Review status: criteria provided, single submitter. Criteria: ACMG Guidelines, 2015. Collection method: clinical testing. Allele origin: germline.
Comment: This variant is classified as likely benign based on ACMG/AMP sequence variant interpretation guidelines (Richards et al. 2015 PMID: 25741868, with internal and published modifications).

Labcorp Genetics (formerly Invitae), Labcorp
Classification: Likely benign for Hereditary nonpolyposis colorectal neoplasms. Last evaluated: 2026-01-16. Review status: criteria provided, single submitter. Criteria: Invitae Variant Classification Sherloc (09022015). Collection method: clinical testing. Allele origin: germline.

Women's Health and Genetics/Laboratory Corporation of America, LabCorp
Classification: Likely benign. Last evaluated: 2024-12-23. Review status: criteria provided, single submitter. Criteria: LabCorp Variant Classification Summary - May 2015. Collection method: clinical testing. Allele origin: germline.
Comment: Variant summary: MSH6 c.1847C>G (p.Ser616Cys) results in a non-conservative amino acid change located in the DNA mismatch repair protein MutS, connector domain (IPR007860) of the encoded protein sequence. Three of five in-silico tools predict a benign effect of the variant on protein function. The variant allele was found at a frequency of 5.6e-05 in 250646 control chromosomes, predominantly at a frequency of 0.0004 within the Latino subpopulation in the gnomAD database. The observed variant frequency within Latino control individuals in the gnomAD database is approximately 2.8-fold of the estimated maximal expected allele frequency for a pathogenic variant in MSH6 causing Hereditary Nonpolyposis Colorectal Cancer phenotype (0.00014). c.1847C>G has been reported in the literature in settings of multigene panel setting in at least one individual affected with thyroid, prostate, and kidney cancers, reported as a VUS (Shirts_2016), or with an unspecified cancer (Li_2020). These reports do not provide unequivocal conclusions about association of the variant with Hereditary Nonpolyposis Colorectal Cancer. To our knowledge, no experimental evidence demonstrating an impact on protein function has been reported. The following publications have been ascertained in the context of this evaluation (PMID: 26845104, 31391288). ClinVar contains an entry for this variant (Variation ID: 224580). Based on the evidence outlined above, the variant was classified as likely benign.

Quest Diagnostics Nichols Institute San Juan Capistrano
Classification: Uncertain significance. Last evaluated: 2024-10-22. Review status: criteria provided, single submitter. Criteria: Quest Diagnostics criteria. Collection method: clinical testing. Allele origin: unknown.
Comment: The MSH6 c.1847C>G (p.Ser616Cys) variant has been reported in the published literature in an individual with thyroid, prostate, and kidney cancers (PMID: 26845104 (2016)) and an unspecified cancer (PMID: 31391288 (2020)). In a large scale breast cancer association study, this variant has been observed in one breast cancer case and one reportedly healthy individual (PMID: 33471991 (2021), see also LOVD). The frequency of this variant in the general population, 0.00042 (15/35422 chromosomes in Admixed American subpopulation (Genome Aggregation Database)), is higher than would generally be expected for pathogenic variants in this gene. Analysis of this variant using bioinformatics tools for the prediction of the effect of amino acid changes on protein structure and function yielded predictions that this variant is benign. Based on the available information, we are unable to determine the clinical significance of this variant.

Color Diagnostics, LLC DBA Color Health
Classification: Uncertain significance for Hereditary cancer-predisposing syndrome. Last evaluated: 2024-03-28. Review status: criteria provided, single submitter. Criteria: ACMG Guidelines, 2015. Collection method: clinical testing. Allele origin: germline.
Comment: This missense variant replaces serine with cysteine at codon 616 of the MSH6 protein. Computational prediction suggests that this variant may not impact protein structure and function (internally defined REVEL score threshold <= 0.5, PMID: 27666373). To our knowledge, functional studies have not been reported for this variant. This variant has been reported in an individual affected with prostate, kidney, and thyroid cancers (PMID: 26845104), and in an individual affected with an unspecified cancer (PMID: 31391288). In a large breast cancer case-control study, the variant was observed in 1/60466 cases and 1/53461 unaffected controls (PMID: 33471991). This variant has been identified in 15/276794 chromosomes in the general population by the Genome Aggregation Database (gnomAD). The available evidence is insufficient to determine the role of this variant in disease conclusively. Therefore, this variant is classified as a Variant of Uncertain Significance.

All of Us Research Program, National Institutes of Health
Classification: Uncertain significance for Lynch syndrome. Last evaluated: 2023-12-01. Review status: criteria provided, single submitter. Criteria: ACMG Guidelines, 2015. Collection method: clinical testing. Allele origin: germline. Inheritance: Autosomal dominant inheritance. Observed: 4 variant alleles, 4 heterozygotes.
Comment: This missense variant replaces serine with cysteine at codon 616 of the MSH6 protein. Computational prediction suggests that this variant may not impact protein structure and function (internally defined REVEL score threshold <= 0.5, PMID: 27666373). To our knowledge, functional studies have not been reported for this variant. This variant has been reported in an individual affected with prostate, kidney, and thyroid cancers (PMID: 26845104). This variant has been identified in 15/276794 chromosomes in the general population by the Genome Aggregation Database (gnomAD). The available evidence is insufficient to determine the role of this variant in disease conclusively. Therefore, this variant is classified as a Variant of Uncertain Significance.

This study involves interpretation of variants in research participants for the purpose of population health screening. Participant phenotype was not available at the time of variant classification. Additional details can be found in publication PMID: 35346344, PMCID: PMC8962531

GeneDx
Classification: Uncertain significance. Last evaluated: 2023-09-13. Review status: criteria provided, single submitter. Criteria: GeneDx Variant Classification Process June 2021. Collection method: clinical testing. Allele origin: germline. Affected: yes.
Comment: In silico analysis supports that this missense variant does not alter protein structure/function; Observed in an individual with a personal and family history of renal, prostate, and other cancers (Shirts et al., 2016); This variant is associated with the following publications: (PMID: 17531815, 21120944, 26845104)

Myriad Genetics, Inc.
Classification: Likely benign for Lynch syndrome 5. Last evaluated: 2023-03-27. Review status: criteria provided, single submitter. Criteria: Myriad Autosomal Dominant, Autosomal Recessive and X-Linked Classification Criteria (2023). Collection method: clinical testing. Allele origin: unknown.
Comment: This variant is considered likely benign. This variant has been observed in trans with a known pathogenic variant in one or more individuals lacking clinical features consistent with gene-specific recessive disease.

St. Jude Molecular Pathology, St. Jude Children's Research Hospital
Classification: Uncertain significance for Lynch syndrome 5. Last evaluated: 2021-05-06. Review status: criteria provided, single submitter. Criteria: St. Jude Assertion Criteria 2020. Collection method: clinical testing. Allele origin: germline.
Comment: The MSH6 c.1847C>G (p.Ser616Cys) missense change has a maximum subpopulation frequency of 0.042% in gnomAD v2.1.1. Six of seven in silico tools predict a benign effect of this variant on protein function (BP4), but to our knowledge these predictions have not been confirmed by functional assays. This variant has been reported in an individual with a personal history of thyroid, prostate, and kidney cancers (PMID: 26845104). To our knowledge, this variant has not been reported in individuals with Lynch syndrome or CMMRD. In summary, this variant meets criteria to be classified as of uncertain significance based on the ACMG/AMP criteria: BP4.

Ambry Genetics
Classification: Likely benign for Hereditary cancer-predisposing syndrome. Last evaluated: 2018-10-08. Review status: criteria provided, single submitter. Criteria: Ambry Variant Classification Scheme 2023. Collection method: clinical testing. Allele origin: germline.

University of Washington Department of Laboratory Medicine, University of Washington
Classification: Uncertain significance for Hereditary nonpolyposis colon cancer. Last evaluated: 2015-11-20. Review status: criteria provided, single submitter. Criteria: Shirts et al. (Genet Med 2016). Collection method: clinical testing. Allele origin: germline. Affected: yes. Observed: 1 variant allele.

Counsyl
Classification: Uncertain significance for Lynch syndrome 5. Last evaluated: 2016-10-03. Review status: no assertion criteria provided. Collection method: clinical testing. Allele origin: unknown. Not counted in ClinVar's aggregate classification.

Literature cited by the submitters: PubMed 26845104 (cited by 5 submitters); PubMed 31391288 (cited by 3 submitters); PubMed 33471991 (cited by Quest Diagnostics Nichols Institute San Juan Capistrano and Color Diagnostics, LLC DBA Color Health).

NM_000179.3(MSH6):c.1847C>G (p.Ser616Cys)

Gene: MSH6 (mutS homolog 6; plus strand). Cytogenetic location: 2p16.3.
Variant type: single nucleotide variant.
Coding change: c.1847C>G on transcript NM_000179.3 (MANE Select); coding-DNA position 1847, C replaced by G.
Protein change: p.Ser616Cys; replaces serine 616 with cysteine.
Molecular consequence: missense variant.
Genome position (GRCh38, 1-based): chr2:47,799,830, C>G. VCF-style: chr2-47799830-C-G. GRCh37 (hg19) VCF-style: chr2-48026969-C-G.
Other names: c.1457C>G, p.Ser486Cys (NM_001281492.2); c.941C>G, p.Ser314Cys (NM_001281493.2, NM_001281494.2); short protein forms S616C, S486C, S314C.
Identifiers: ClinVar variation 224580 (VCV000224580.39), dbSNP rs772363120, ClinGen allele CA068191.
Genomic context (GRCh38, chr2:47,799,830, plus strand): 5'-TTGAAAAAGGAAATCTCTCAAAGGAAACTAAAACAATTCTAAAGAGTTCATTGTCCTGTT[C>G]TCTTCAGGAAGGTCTGATACCCGGCTCCCAGTTTTGGGATGCATCCAAAACTTTGAGAAC-3'
Protein context (NP_000170.1, residues 606-626): KTILKSSLSC[Ser616Cys]LQEGLIPGSQ